The following is an entry in ClinVar:

NM_032607.3(CREB3L3):c.577-7T>A

Gene: CREB3L3 (cAMP responsive element binding protein 3 like 3; plus strand). Cytogenetic location: 19p13.3.
Variant type: single nucleotide variant.
Coding change: c.577-7T>A on transcript NM_032607.3 (MANE Select); 7 bases into the intron before coding-DNA position 577, T replaced by A.
Molecular consequence: intron variant.
Genome position (GRCh38, 1-based): chr19:4,164,496, T>A. VCF-style: chr19-4164496-T-A. GRCh37 (hg19) VCF-style: chr19-4164493-T-A.
Other names: c.577-7T>A (NM_001271997.2); c.577-13T>A (NM_001271996.2); c.574-7T>A (NM_001271995.2).
Identifiers: ClinVar variation 4697896 (VCV004697896.1).

ClinVar aggregate classification (germline): Uncertain significance (1 of 4 stars; one submission).

Submission:

Labcorp Genetics (formerly Invitae), Labcorp
Classification: Uncertain significance. Last evaluated: 2026-01-21. Review status: criteria provided, single submitter. Criteria: Invitae Variant Classification Sherloc (09022015). Collection method: clinical testing. Allele origin: germline.
Comment: This sequence change falls in intron 4 of the CREB3L3 gene. It does not directly change the encoded amino acid sequence of the CREB3L3 protein. This variant is not present in population databases (gnomAD no frequency). This variant has not been reported in the literature in individuals affected with CREB3L3-related conditions. Algorithms developed to predict the effect of sequence changes on RNA splicing suggest that this variant may disrupt the consensus splice site. In summary, the available evidence is currently insufficient to determine the role of this variant in disease. Therefore, it has been classified as a Variant of Uncertain Significance.